The following is an entry in ClinVar:

NM_023935.3(DDRGK1):c.273C>G (p.Asn91Lys)

Gene: DDRGK1 (DDRGK domain containing 1; minus strand). Cytogenetic location: 20p13.
Variant type: single nucleotide variant.
Coding change: c.273C>G on transcript NM_023935.3 (MANE Select); coding-DNA position 273, C replaced by G.
Protein change: p.Asn91Lys; replaces asparagine 91 with lysine.
Molecular consequence: missense variant.
Genome position (GRCh38, 1-based): chr20:3,203,235, G>C on the plus strand (C>G on the coding strand, the complement: DDRGK1 is on the minus strand). VCF-style: chr20-3203235-G-C. GRCh37 (hg19) VCF-style: chr20-3183881-G-C.
Other names: short protein forms N91K.
Identifiers: ClinVar variation 2038254 (VCV002038254.4), dbSNP rs61735512, ClinGen allele CA9740990.
Genomic context (GRCh38, chr20:3,203,235, plus strand): 5'-ACCCAAACCCTCTCCCCACCAGGCTGGGCCCCTCTCACCTAGGATGACAGCTTCCTCCTC[G>C]TTCTCATCTGCTTCTGCCCAGGCCACCCGCTGGGCTCGACGCTGGGCCTGTAGGCGGCTG-3'
Protein context (NP_076424.1, residues 81-101): QRVAWAEADE[Asn91Lys]EEEAVILAQE

ClinVar aggregate classification (germline): Uncertain significance (1 of 4 stars; one submission).

gnomAD v4.1: 2 of 1,596,016 alleles (0.00013%); highest among the groups gnomAD compares: African/African-American, 0.0013%; no homozygotes.

Submission:

Labcorp Genetics (formerly Invitae), Labcorp
Classification: Uncertain significance. Last evaluated: 2022-04-12. Review status: criteria provided, single submitter. Criteria: Invitae Variant Classification Sherloc (09022015). Collection method: clinical testing. Allele origin: germline.
Comment: In summary, the available evidence is currently insufficient to determine the role of this variant in disease. Therefore, it has been classified as a Variant of Uncertain Significance. Algorithms developed to predict the effect of missense changes on protein structure and function are either unavailable or do not agree on the potential impact of this missense change (SIFT: "Not Available"; PolyPhen-2: "Benign"; Align-GVGD: "Not Available"). This variant has not been reported in the literature in individuals affected with DDRGK1-related conditions. The frequency data for this variant in the population databases is considered unreliable, as metrics indicate poor data quality at this position in the gnomAD database. This sequence change replaces asparagine, which is neutral and polar, with lysine, which is basic and polar, at codon 91 of the DDRGK1 protein (p.Asn91Lys).